The following is an entry in ClinVar:

ClinVar aggregate classification (germline): Likely pathogenic (1 of 4 stars; one submission).

Conditions:
SIRT6-related disorder.

gnomAD v4.1: 3 of 1,610,374 alleles (0.00019%); highest among the groups gnomAD compares: Middle Eastern, 0.017%; no homozygotes.

Submission:

3billion
Classification: Likely pathogenic for SIRT6-related disorder. Last evaluated: 2025-11-30. Review status: criteria provided, single submitter. Criteria: ACMG Guidelines, 2015. Collection method: clinical testing. Allele origin: germline. Affected: yes.
Comment: The variant is observed at an extremely low frequency in the gnomAD v4.1.0 dataset (total allele frequency: <0.001%). Predicted Consequence/Location: Missense variant Functional studies provide moderate evidence of the variant having a damaging effect on the gene or gene product (PMID: 29555651). In silico tool predictions suggest damaging effect of the variant on gene or gene product [REVEL: 0.60 (>=0.6, sensitivity 0.68 and specificity 0.92); 3Cnet: 0.76 (> 0.75, sensitivity 0.96 and precision 0.92)]. The same nucleotide change resulting in the same amino acid change has been previously reported to be associated with SIRT6-related disorder (PMID: 29555651). Therefore, this variant is classified as Likely pathogenic according to the recommendation of ACMG/AMP guideline.

Literature cited by the submitters: PubMed 29555651.

NM_016539.4(SIRT6):c.187G>C (p.Asp63His)

Gene: SIRT6 (sirtuin 6; minus strand). Cytogenetic location: 19p13.3.
Variant type: single nucleotide variant.
Coding change: c.187G>C on transcript NM_016539.4 (MANE Select); coding-DNA position 187, G replaced by C.
Protein change: p.Asp63His; replaces aspartic acid 63 with histidine.
Molecular consequence: missense variant. On other transcripts: 5 prime UTR variant (1), intron variant (3).
Genome position (GRCh38, 1-based): chr19:4,180,789, C>G on the plus strand (G>C on the coding strand, the complement: SIRT6 is on the minus strand). VCF-style: chr19-4180789-C-G. GRCh37 (hg19) VCF-style: chr19-4180786-C-G.
Other names: c.187G>C, p.Asp63His (NM_001193285.3, NM_001321059.2, NM_001321060.2 and 1 more transcripts); c.-30G>C (NM_001321064.2); c.-29+1685G>C (NM_001321062.2); c.-22-1503G>C (NM_001321061.2, NM_001321058.2); short protein forms D63H.
Identifiers: ClinVar variation 4855379 (VCV004855379.1).